The following is an entry in ClinVar:

NM_000127.3(EXT1):c.713del (p.Ser238fs)

Gene: EXT1 (exostosin glycosyltransferase 1; minus strand). Cytogenetic location: 8q24.11.
Variant type: Deletion.
Coding change: c.713del on transcript NM_000127.3 (MANE Select); coding-DNA position 713, one base deleted (C; older notation c.713delC).
Protein change: p.Ser238fs; shifts the reading frame from serine 238.
Molecular consequence: frameshift variant.
Genome position (GRCh38, 1-based): chr8:118,110,334, G deleted on the plus strand (C on the coding strand, the reverse complement: EXT1 is on the minus strand). VCF-style (leftmost placement, unchanged base first): chr8-118110333-AG-A. GRCh37 (hg19) VCF-style: chr8-119122572-AG-A.
Other names: c.713del (NM_000127.2); c.713delC (NM_000127.2); short protein forms S238fs.
Identifiers: ClinVar variation 1454747 (VCV001454747.9), dbSNP rs2130042099, ClinGen allele CA2573142828.

ClinVar aggregate classification (germline): Pathogenic. Review status: criteria provided, multiple submitters, no conflicts (2 of 4 stars). 4 submissions from 4 submitters: Pathogenic (3). 1 of the submissions does not count toward it. Last evaluated 2025-05-25.

Conditions:
EXT1-related disorder. Also called: EXT1-related condition.
Exostoses, multiple, type 1 (EXT1). Also called: Hereditary Multiple Osteochondromatosis, Type I; EXOSTOSES, MULTIPLE, TYPE I. Identifiers: MedGen CN263289, MONDO:0007585, OMIM 133700.
Multiple congenital exostosis (EXT). Also called: Multiple osteochondromas; MULTIPLE CARTILAGINOUS EXOSTOSES; Hereditary multiple exostoses; Hereditary multiple exostosis; Hereditary multiple osteochondromas; Multiple exostoses. Identifiers: Orphanet 321, MedGen C0015306, MONDO:0005508, HP:0002762.

Submissions (4):

Labcorp Genetics (formerly Invitae), Labcorp
Classification: Pathogenic for Multiple congenital exostosis. Last evaluated: 2025-05-25. Review status: criteria provided, single submitter. Criteria: Invitae Variant Classification Sherloc (09022015). Collection method: clinical testing. Allele origin: germline.
Comment: This sequence change creates a premature translational stop signal (p.Ser238Leufs*14) in the EXT1 gene. It is expected to result in an absent or disrupted protein product. Loss-of-function variants in EXT1 are known to be pathogenic (PMID: 10679937, 11391482, 19810120). This variant is not present in population databases (gnomAD no frequency). This premature translational stop signal has been observed in individual(s) with clinical features of multiple osteochondromatosis (PMID: 8981950). This variant is also known as 1364delC. ClinVar contains an entry for this variant (Variation ID: 1454747). For these reasons, this variant has been classified as Pathogenic.

GeneDx
Classification: Pathogenic. Last evaluated: 2023-05-17. Review status: criteria provided, single submitter. Criteria: GeneDx Variant Classification Process June 2021. Collection method: clinical testing. Allele origin: germline. Affected: yes.
Comment: Not observed at significant frequency in large population cohorts (gnomAD); Frameshift variant predicted to result in protein truncation or nonsense mediated decay in a gene for which loss of function is a known mechanism of disease; This variant is associated with the following publications: (PMID: 9463333, 10679937, 8882395, 8981950, 10713884)

PreventionGenetics, part of Exact Sciences
Classification: Pathogenic for EXT1-related condition. Last evaluated: 2023-02-08. Review status: criteria provided, single submitter. Criteria: ACMG Guidelines, 2015. Collection method: clinical testing. Allele origin: germline.
Comment: The EXT1 c.713delC variant is predicted to result in a frameshift and premature protein termination (p.Ser238Leufs*14). This variant has been previously reported in individuals with multiple exostoses (reported as c.1364delC in family 2 and 8, Hecht et al 1997. PubMed ID: 8981950). This variant has not been reported in a large population database, indicating this variant is rare. Frameshift variants in EXT1 are expected to be pathogenic. This variant is interpreted as pathogenic.

OMIM
Classification: Pathogenic for EXOSTOSES, MULTIPLE, TYPE I. Last evaluated: 1997-01-01. Review status: no assertion criteria provided. Collection method: literature only. Allele origin: germline. Not counted in ClinVar's aggregate classification.

Literature cited by the submitters: PubMed 10679937 (cited by Labcorp Genetics (formerly Invitae), Labcorp); PubMed 11391482 (cited by Labcorp Genetics (formerly Invitae), Labcorp); PubMed 19810120 (cited by Labcorp Genetics (formerly Invitae), Labcorp); PubMed 8981950 (cited by Labcorp Genetics (formerly Invitae), Labcorp and OMIM).